The following is an entry in ClinVar:

NM_003441.4(ZNF141):c.3+10del

Gene: ZNF141 (zinc finger protein 141; plus strand). Cytogenetic location: 4p16.3.
Variant type: Deletion.
Coding change: c.3+10del on transcript NM_003441.4 (MANE Select); 10 bases into the intron after coding-DNA position 3, one base deleted (C; older notation c.3+10delC).
Molecular consequence: intron variant.
Genome position (GRCh38, 1-based): chr4:337,996, C deleted. VCF-style (leftmost placement, unchanged base first): chr4-337995-GC-G. GRCh37 (hg19) VCF-style: chr4-331784-GC-G.
Other names: c.3+10del (NM_001348278.2, NM_001348280.2, NM_001348279.2); c.-3+10del (NM_001348277.2).
Identifiers: ClinVar variation 4991963 (VCV004991963.1).

ClinVar aggregate classification (germline): Likely benign (1 of 4 stars; one submission).

Conditions:
ZNF141-related disorder. Also called: ZNF141-related condition.

Submission:

PreventionGenetics, part of Exact Sciences
Classification: Likely benign for ZNF141-related condition. Last evaluated: 2026-03-25. Review status: criteria provided, single submitter. Criteria: ACMG Guidelines, 2015. Collection method: clinical testing. Allele origin: germline.
Comment: This variant is classified as likely benign based on ACMG/AMP sequence variant interpretation guidelines (Richards et al. 2015 PMID: 25741868, with internal and published modifications).